The following is an entry in ClinVar:

NM_001374736.1(DST):c.3851G>A (p.Arg1284Gln)

Gene: DST (dystonin; minus strand). Cytogenetic location: 6p12.1.
Variant type: single nucleotide variant.
Coding change: c.3851G>A on transcript NM_001374736.1 (MANE Select); coding-DNA position 3851, G replaced by A.
Protein change: p.Arg1284Gln; replaces arginine 1284 with glutamine.
Molecular consequence: missense variant.
Genome position (GRCh38, 1-based): chr6:56,631,995, C>T on the plus strand (G>A on the coding strand, the complement: DST is on the minus strand). VCF-style: chr6-56631995-C-T. GRCh37 (hg19) VCF-style: chr6-56496793-C-T.
Other names: c.3752G>A, p.Arg1251Gln (NM_001144769.5); c.3338G>A, p.Arg1113Gln (NM_001144770.2); c.3851G>A, p.Arg1284Gln (NM_001374722.1); c.3218G>A, p.Arg1073Gln (NM_001374729.1, NM_001374730.1, NM_001386100.1 and 1 more transcripts); c.3878G>A, p.Arg1293Gln (NM_001374734.1); c.2240G>A, p.Arg747Gln (NM_001723.7, NM_015548.5); short protein forms R747Q, R1113Q, R1073Q, R1251Q, R1284Q, R1293Q.
Identifiers: ClinVar variation 582433 (VCV000582433.9), dbSNP rs369710658, ClinGen allele CA3871044.

ClinVar aggregate classification (germline): Uncertain significance. Review status: criteria provided, multiple submitters, no conflicts (2 of 4 stars). 2 submissions from 2 submitters: Uncertain significance (2). Last evaluated 2023-12-01.

Conditions:
Inborn genetic diseases. Identifiers: MedGen C0950123, MeSH D030342.
Epidermolysis bullosa simplex 3, localized or generalized intermediate, with BP230 deficiency (EBS3). Also called: Epidermolysis bullosa simplex due to BP230 deficiency; Epidermolysis bullosa simplex, autosomal recessive 2. Identifiers: Orphanet 412181, MedGen C3809470, MONDO:0014180, OMIM 615425.
Hereditary sensory and autonomic neuropathy type 6. Also called: HSAN VI; Neuropathy, hereditary sensory and autonomic, type VI. Identifiers: Orphanet 314381, MedGen C3539003, MONDO:0013839, OMIM 614653.

Allele frequency attached by ClinVar (database versions not stated): ExAC 0.00001; gnomAD exomes 0.00001; gnomAD 0.00003; TOPMed 0.00003; ESP Exome Variant Server 0.00015.
gnomAD v4.1: 14 of 1,613,454 alleles (0.00087%); highest among the groups gnomAD compares: African/African-American, 0.0053%; no homozygotes.

Submissions (2):

Ambry Genetics
Classification: Uncertain significance for Inborn genetic diseases. Last evaluated: 2023-12-01. Review status: criteria provided, single submitter. Criteria: Ambry Variant Classification Scheme 2023. Collection method: clinical testing. Allele origin: germline.

Labcorp Genetics (formerly Invitae), Labcorp
Classification: Uncertain significance for Epidermolysis bullosa simplex 3, localized or generalized intermediate, with BP230 deficiency; Hereditary sensory and autonomic neuropathy type 6. Last evaluated: 2022-07-25. Review status: criteria provided, single submitter. Criteria: Invitae Variant Classification Sherloc (09022015). Collection method: clinical testing. Allele origin: germline.
Comment: This variant is present in population databases (rs369710658, gnomAD 0.007%). In summary, the available evidence is currently insufficient to determine the role of this variant in disease. Therefore, it has been classified as a Variant of Uncertain Significance. Algorithms developed to predict the effect of missense changes on protein structure and function (SIFT, PolyPhen-2, Align-GVGD) all suggest that this variant is likely to be disruptive. ClinVar contains an entry for this variant (Variation ID: 582433). This variant has not been reported in the literature in individuals affected with DST-related conditions. This sequence change replaces arginine, which is basic and polar, with glutamine, which is neutral and polar, at codon 747 of the DST protein (p.Arg747Gln).